The following is an entry in ClinVar:

ClinVar aggregate classification (germline): Uncertain significance (1 of 4 stars; one submission).

Conditions:
Neuroblastoma, susceptibility to, 3. Also called: ALK-Related Neuroblastic Tumor Susceptibility. Identifiers: Orphanet 635, MedGen C2751681, MONDO:0013083, OMIM 613014.

Submission:

Labcorp Genetics (formerly Invitae), Labcorp
Classification: Uncertain significance for Neuroblastoma, susceptibility to, 3. Last evaluated: 2020-11-13. Review status: criteria provided, single submitter. Criteria: Invitae Variant Classification Sherloc (09022015). Collection method: clinical testing. Allele origin: germline.
Comment: This variant is not present in population databases (ExAC no frequency). This variant has not been reported in the literature in individuals with ALK-related conditions. Algorithms developed to predict the effect of missense changes on protein structure and function are either unavailable or do not agree on the potential impact of this missense change (SIFT: "Deleterious"; PolyPhen-2: "Probably Damaging"; Align-GVGD: "Class C0"). In summary, the available evidence is currently insufficient to determine the role of this variant in disease. Therefore, it has been classified as a Variant of Uncertain Significance. This sequence change replaces lysine with threonine at codon 1150 of the ALK protein (p.Lys1150Thr). The lysine residue is highly conserved and there is a moderate physicochemical difference between lysine and threonine.

NM_004304.5(ALK):c.3449A>C (p.Lys1150Thr)

Gene: ALK (ALK receptor tyrosine kinase; minus strand). Cytogenetic location: 2p23.2.
Variant type: single nucleotide variant.
Coding change: c.3449A>C on transcript NM_004304.5 (MANE Select); coding-DNA position 3449, A replaced by C.
Protein change: p.Lys1150Thr; replaces lysine 1150 with threonine.
Molecular consequence: missense variant.
Genome position (GRCh38, 1-based): chr2:29,222,518, T>G on the plus strand (A>C on the coding strand, the complement: ALK is on the minus strand). VCF-style: chr2-29222518-T-G. GRCh37 (hg19) VCF-style: chr2-29445384-T-G.
Other names: c.245A>C, p.Lys82Thr (NM_001353765.2); short protein forms K82T, K1150T.
Identifiers: ClinVar variation 1483945 (VCV001483945.8), dbSNP rs2148169104, ClinGen allele CA346463544.
Genomic context (GRCh38, chr2:29,222,518, plus strand): 5'-AACTGCAGCCTACAGAGTCCGCAAGCCAAGGGCAGGCTCAAGAGTGAGCCACTTCTTACC[T>G]TCACAGCCACTTGCAGGGGGCTTGGGTCGTTGGGCATTCCGGACACCTGGCCTTCATACA-3'
Protein context (NP_004295.2, residues 1140-1160): NDPSPLQVAV[Lys1150Thr]TLPEVCSEQD